The following is an entry in ClinVar:

NM_004646.4(NPHS1):c.570delinsAGT (p.Ser191fs)

Gene: NPHS1 (NPHS1 adhesion molecule, nephrin; minus strand). Cytogenetic location: 19q13.12.
Variant type: Indel.
Coding change: c.570delinsAGT on transcript NM_004646.4 (MANE Select); coding-DNA position 570, C replaced by AGT.
Protein change: p.Ser191fs; shifts the reading frame from serine 191.
Molecular consequence: frameshift variant.
Genome position (GRCh38, 1-based): chr19:35,850,402, G replaced by ACT on the plus strand (C replaced by AGT on the coding strand, the reverse complement: NPHS1 is on the minus strand). VCF-style: chr19-35850402-G-ACT. GRCh37 (hg19) VCF-style: chr19-36341304-G-ACT.
Other names: c.570delCinsAGT, p.Ser191Valfs (NM_004646.3); short protein forms S191fs.
Identifiers: ClinVar variation 4815391 (VCV004815391.1).

ClinVar aggregate classification (germline): Likely pathogenic (1 of 4 stars; one submission).

Conditions:
Finnish congenital nephrotic syndrome (NPHS1). Also called: NEPHROTIC SYNDROME, TYPE 1. Identifiers: Orphanet 839, MedGen C0403399, MONDO:0009732, OMIM 256300.

Submission:

Natera, Inc.
Classification: Likely pathogenic for Finnish congenital nephrotic syndrome. Last evaluated: 2024-05-30. Review status: criteria provided, single submitter. Criteria: Natera Variant Classification Schema (03/2026). Collection method: clinical testing. Allele origin: germline.
Comment: The c.570delinsAGT variant in NPHS1 is a frameshift variant predicted to shift the reading frame beginning at codon 191 and leads to a stop codon 15 codons downstream. This variant is expected to result in nonsense mediated decay, truncation, or a dysfunctional protein product. This variant is rare in the general population with a frequency below the threshold expected for the associated phenotype(s). Given the available evidence, this variant is classified as Likely Pathogenic.